The following is an entry in ClinVar:

NM_016468.7(COX16):c.185_188dup (p.Leu63fs)

Genes: COX16 (cytochrome c oxidase assembly factor COX16; minus strand), SYNJ2BP-COX16 (SYNJ2BP-COX16 readthrough; minus strand). Cytogenetic location: 14q24.2.
Variant type: Duplication.
Coding change: c.185_188dup on transcript NM_016468.7 (MANE Select); coding-DNA positions 185 to 188, 4 bases duplicated (CTTT; older notation c.185_188dupCTTT).
Protein change: p.Leu63fs; shifts the reading frame from leucine 63.
Molecular consequence: frameshift variant.
Genome position (GRCh38, 1-based): chr14:70,329,190-70,329,193, AAAG duplicated on the plus strand (CTTT on the coding strand, the reverse complement: COX16 is on the minus strand); duplicating any 4 consecutive bases within chr14:70,329,190-70,329,194 gives the same sequence; the c. name uses the placement nearest the transcript's 3' end. VCF-style (leftmost placement, unchanged base first): chr14-70329189-T-TAAAG. GRCh37 (hg19) VCF-style: chr14-70795906-T-TAAAG.
Other names: c.440_443dup, p.Leu148fs (NM_001202547.2); c.413_416dup, p.Leu139fs (NM_001202548.2); c.341_344dup, p.Leu115fs (NM_001202549.2); c.113_116dup, p.Leu39fs (NM_001204090.2); short protein forms L115fs, L139fs, L148fs, L39fs, L63fs.
Identifiers: ClinVar variation 4850375 (VCV004850375.1).
Genomic context (GRCh38, chr14:70,329,189, plus strand): 5'-AGTAACTGATTGTTATAAGACAGAGACTATATTAACATACCGTACCTCATATTCCGACTC[T>TAAAG]AAAGATATTTTATTCTCTTTCAGTTTTTTTTCAAGCTCAGGATCCATCTGTAGAAAAGGA-3'

ClinVar aggregate classification (germline): Likely pathogenic (1 of 4 stars; one submission).

Conditions:
Mitochondrial complex IV deficiency, nuclear type 22. Identifiers: MedGen C5543491, MONDO:0859160, OMIM 619355.

Submission:

First Genomix Gene Laboratory, Genetic Diagnostics Department
Classification: Likely pathogenic for Mitochondrial complex IV deficiency, nuclear type 22. Last evaluated: 2025-09-19. Review status: criteria provided, single submitter. Criteria: ACMG Guidelines, 2015. Collection method: clinical testing. Allele origin: germline. Inheritance: Autosomal recessive inheritance. Affected: no. Observed: 1 variant allele.